The following is an entry in ClinVar:

NM_182914.3(SYNE2):c.18148G>A (p.Val6050Ile)

Gene: SYNE2 (spectrin repeat containing nuclear envelope protein 2; plus strand). Cytogenetic location: 14q23.2.
Variant type: single nucleotide variant.
Coding change: c.18148G>A on transcript NM_182914.3 (MANE Select); coding-DNA position 18148, G replaced by A.
Protein change: p.Val6050Ile; replaces valine 6050 with isoleucine.
Molecular consequence: missense variant.
Genome position (GRCh38, 1-based): chr14:64,202,910, G>A. VCF-style: chr14-64202910-G-A. GRCh37 (hg19) VCF-style: chr14-64669628-G-A.
Other names: c.18148G>A, p.Val6050Ile (NM_015180.6); short protein forms V6050I.
Identifiers: ClinVar variation 1717836 (VCV001717836.5), dbSNP rs2549995622, ClinGen allele CA389945316.

ClinVar aggregate classification (germline): Uncertain significance (1 of 4 stars; one submission).

Conditions:
Emery-Dreifuss muscular dystrophy 5, autosomal dominant (EDMD5). Also called: EMERY-DREIFUSS MUSCULAR DYSTROPHY 5. Identifiers: Orphanet 261, MedGen C2751805, MONDO:0013072, OMIM 612999.

Allele frequency attached by ClinVar (database versions not stated): gnomAD exomes below 0.00001.
gnomAD v4.1: 1 of 1,614,202 alleles (0.000062%); highest among the groups gnomAD compares: Non-Finnish European, 0.000085%; no homozygotes.

Submission:

Labcorp Genetics (formerly Invitae), Labcorp
Classification: Uncertain significance for Emery-Dreifuss muscular dystrophy 5, autosomal dominant. Last evaluated: 2022-07-17. Review status: criteria provided, single submitter. Criteria: Invitae Variant Classification Sherloc (09022015). Collection method: clinical testing. Allele origin: germline.
Comment: This sequence change replaces valine, which is neutral and non-polar, with isoleucine, which is neutral and non-polar, at codon 6050 of the SYNE2 protein (p.Val6050Ile). This variant is not present in population databases (gnomAD no frequency). This variant has not been reported in the literature in individuals affected with SYNE2-related conditions. Algorithms developed to predict the effect of missense changes on protein structure and function are either unavailable or do not agree on the potential impact of this missense change (SIFT: "Tolerated"; PolyPhen-2: "Probably Damaging"; Align-GVGD: "Class C0"). In summary, the available evidence is currently insufficient to determine the role of this variant in disease. Therefore, it has been classified as a Variant of Uncertain Significance.